The following is an entry in ClinVar:

NM_007194.4(CHEK2):c.682A>G (p.Ser228Gly)

Gene: CHEK2 (checkpoint kinase 2; minus strand). Cytogenetic location: 22q12.1.
Variant type: single nucleotide variant.
Coding change: c.682A>G on transcript NM_007194.4 (MANE Select); coding-DNA position 682, A replaced by G.
Protein change: p.Ser228Gly; replaces serine 228 with glycine.
Molecular consequence: missense variant. On other transcripts: intron variant (1).
Genome position (GRCh38, 1-based): chr22:28,719,396, T>C on the plus strand (A>G on the coding strand, the complement: CHEK2 is on the minus strand). VCF-style: chr22-28719396-T-C. GRCh37 (hg19) VCF-style: chr22-29115384-T-C.
Other names: c.811A>G, p.Ser271Gly (NM_001005735.3, NM_001438294.1); c.19A>G, p.Ser7Gly (NM_001257387.3, NM_001437942.1); c.775A>G, p.Ser259Gly (NM_001438293.1, NM_001438295.1); c.682A>G, p.Ser228Gly (NM_145862.3); c.482+5490A>G (NM_001349956.3); short protein forms S271G, S228G, S7G, S259G.
Identifiers: ClinVar variation 826649 (VCV000826649.16), dbSNP rs745475247, ClinGen allele CA10167924.

ClinVar aggregate classification (germline): Uncertain significance. Review status: criteria provided, multiple submitters, no conflicts (2 of 4 stars). 4 submissions from 4 submitters: Uncertain significance (4). Last evaluated 2025-12-30.

Conditions:
Familial cancer of breast. Also called: Hereditary breast cancer; BREAST CANCER, FAMILIAL; hereditary breast carcinoma. Identifiers: Orphanet 227535, MedGen C0346153, MONDO:0016419, OMIM 114480. Disease mechanism: loss of function.
Hereditary cancer-predisposing syndrome. Also called: Hereditary Cancer Syndrome; Tumor predisposition; Neoplastic Syndromes, Hereditary; Hereditary neoplastic syndrome. Identifiers: Orphanet 140162, MedGen C0027672, MeSH D009386, MONDO:0015356.

Allele frequency attached by ClinVar (database versions not stated): gnomAD exomes below 0.00001; ExAC 0.00002.
gnomAD v4.1: 2 of 1,555,252 alleles (0.00013%); highest among the groups gnomAD compares: South Asian, 0.0012%; no homozygotes.

Submissions (4):

Ambry Genetics
Classification: Uncertain significance for Hereditary cancer-predisposing syndrome. Last evaluated: 2025-12-30. Review status: criteria provided, single submitter. Criteria: Ambry Variant Classification Scheme 2023. Collection method: clinical testing. Allele origin: germline.
Comment: The p.S228G variant (also known as c.682A>G), located in coding exon 4 of the CHEK2 gene, results from an A to G substitution at nucleotide position 682. The serine at codon 228 is replaced by glycine, an amino acid with similar properties. This amino acid position is highly conserved in available vertebrate species. In addition, in silico splice site analysis predicts that this alteration will weaken the native splice donor site; however, direct evidence is insufficient at this time (Ambry internal data). Since supporting evidence is limited at this time, the clinical significance of this alteration remains unclear.

Labcorp Genetics (formerly Invitae), Labcorp
Classification: Uncertain significance for Familial cancer of breast. Last evaluated: 2024-04-09. Review status: criteria provided, single submitter. Criteria: Invitae Variant Classification Sherloc (09022015). Collection method: clinical testing. Allele origin: germline.
Comment: This sequence change replaces serine, which is neutral and polar, with glycine, which is neutral and non-polar, at codon 228 of the CHEK2 protein (p.Ser228Gly). The frequency data for this variant in the population databases is considered unreliable, as metrics indicate poor data quality at this position in the gnomAD database. This variant has not been reported in the literature in individuals affected with CHEK2-related conditions. ClinVar contains an entry for this variant (Variation ID: 826649). An algorithm developed to predict the effect of missense changes on protein structure and function (PolyPhen-2) suggests that this variant is likely to be tolerated. Studies have shown this missense change is associated with skipping of exon 5, but one or more of the resulting mRNA isoform(s) may be naturally occurring (Invitae). In summary, the available evidence is currently insufficient to determine the role of this variant in disease. Therefore, it has been classified as a Variant of Uncertain Significance.

Quest Diagnostics Nichols Institute San Juan Capistrano
Classification: Uncertain significance. Last evaluated: 2020-11-04. Review status: criteria provided, single submitter. Criteria: Quest Diagnostics criteria. Collection method: clinical testing. Allele origin: unknown.

GeneDx
Classification: Uncertain significance. Last evaluated: 2019-07-29. Review status: criteria provided, single submitter. Criteria: GeneDx Variant Classification Process June 2021. Collection method: clinical testing. Allele origin: germline. Affected: yes.
Comment: Not observed at a significant frequency in large population cohorts (Lek 2016); In silico analysis, which includes protein predictors and evolutionary conservation, supports that this variant does not alter protein structure/function; Has not been previously published as pathogenic or benign to our knowledge; In-silico analysis, which includes splice predictors and evolutionary conservation, is inconclusive as to whether the variant alters gene splicing. In the absence of RNA/functional studies, the actual effect of this sequence change is unknown.